The following is an entry in ClinVar:

NM_001041.4(SI):c.2455G>A (p.Ala819Thr)

Gene: SI (sucrase-isomaltase; minus strand). Cytogenetic location: 3q26.1.
Variant type: single nucleotide variant.
Coding change: c.2455G>A on transcript NM_001041.4 (MANE Select); coding-DNA position 2455, G replaced by A.
Protein change: p.Ala819Thr; replaces alanine 819 with threonine.
Molecular consequence: missense variant.
Genome position (GRCh38, 1-based): chr3:165,036,449, C>T on the plus strand (G>A on the coding strand, the complement: SI is on the minus strand). VCF-style: chr3-165036449-C-T. GRCh37 (hg19) VCF-style: chr3-164754237-C-T.
Other names: short protein forms A819T.
Identifiers: ClinVar variation 1390077 (VCV001390077.6), dbSNP rs542969966, ClinGen allele CA2690669.
Genomic context (GRCh38, chr3:165,036,449, plus strand): 5'-CTTTAGTTTCTCCATCATCCCAGAAAAAGTCTCCTTTGGCTGTGTTGTTTTCACCTAATG[C>T]GACTATAAGTCCTAGAGGATTCTTACGGCTGTTAAGAAAAATTAGGTGCATATATGGTTA-3'
Protein context (NP_001032.2, residues 809-829): SRKNPLGLIV[Ala819Thr]LGENNTAKGD

ClinVar aggregate classification (germline): Uncertain significance. Review status: criteria provided, multiple submitters, no conflicts (2 of 4 stars). 2 submissions from 2 submitters: Uncertain significance (2). Last evaluated 2025-06-12.

Conditions:
Sucrase-isomaltase deficiency (CSID). Also called: Deficiency of isomaltase; SI DEFICIENCY; Congenital sucrose isomaltose malabsorption; Sucrose isomaltose enzyme deficiency. Identifiers: Orphanet 35122, MedGen C1283620, MONDO:0009114, OMIM 222900.

Allele frequency attached by ClinVar (database versions not stated): TOPMed 0.00004; gnomAD 0.00001.
gnomAD v4.1: 43 of 1,610,748 alleles (0.0027%); highest among the groups gnomAD compares: Middle Eastern, 0.016%; no homozygotes.

Submissions (2):

Labcorp Genetics (formerly Invitae), Labcorp
Classification: Uncertain significance. Last evaluated: 2025-06-12. Review status: criteria provided, single submitter. Criteria: Invitae Variant Classification Sherloc (09022015). Collection method: clinical testing. Allele origin: germline.
Comment: This sequence change replaces alanine, which is neutral and non-polar, with threonine, which is neutral and polar, at codon 819 of the SI protein (p.Ala819Thr). This variant is present in population databases (rs542969966, gnomAD 0.01%). This variant has not been reported in the literature in individuals affected with SI-related conditions. ClinVar contains an entry for this variant (Variation ID: 1390077). Invitae Evidence Modeling of protein sequence and biophysical properties (such as structural, functional, and spatial information, amino acid conservation, physicochemical variation, residue mobility, and thermodynamic stability) indicates that this missense variant is not expected to disrupt SI protein function with a negative predictive value of 95%. In summary, the available evidence is currently insufficient to determine the role of this variant in disease. Therefore, it has been classified as a Variant of Uncertain Significance.

Fulgent Genetics
Classification: Uncertain significance for Sucrase-isomaltase deficiency. Last evaluated: 2022-03-29. Review status: criteria provided, single submitter. Criteria: ACMG Guidelines, 2015. Collection method: clinical testing. Allele origin: unknown.